The following is an entry in ClinVar:

ClinVar aggregate classification (germline): Uncertain significance. Review status: criteria provided, multiple submitters, no conflicts (2 of 4 stars). 2 submissions from 2 submitters: Uncertain significance (2). Last evaluated 2022-01-17.

Conditions:
Hereditary cancer-predisposing syndrome. Also called: Neoplastic Syndromes, Hereditary; Hereditary Cancer Syndrome; Hereditary neoplastic syndrome; Tumor predisposition. Identifiers: Orphanet 140162, MedGen C0027672, MeSH D009386, MONDO:0015356.
Microcephaly, normal intelligence and immunodeficiency (NBS). Also called: Microcephaly with normal intelligence immunodeficiency and lymphoreticular malignancies; Nonsyndromal microcephaly autosomal recessive with normal intelligence; Seemanova syndrome 2; Immunodeficiency, microcephaly with normal intelligence; SEEMANOVA SYNDROME II; Ataxia telangiectasia variant V1. Identifiers: Orphanet 647, MedGen C0398791, MONDO:0009623, OMIM 251260.

Submissions (2):

Ambry Genetics
Classification: Uncertain significance for Hereditary cancer-predisposing syndrome. Last evaluated: 2022-01-17. Review status: criteria provided, single submitter. Criteria: Ambry Variant Classification Scheme 2023. Collection method: clinical testing. Allele origin: germline.
Comment: The p.Q39L variant (also known as c.116A>T), located in coding exon 2 of the NBN gene, results from an A to T substitution at nucleotide position 116. The glutamine at codon 39 is replaced by leucine, an amino acid with dissimilar properties. This amino acid position is conserved. In addition, the in silico prediction for this alteration is inconclusive. Since supporting evidence is limited at this time, the clinical significance of this alteration remains unclear.

Labcorp Genetics (formerly Invitae), Labcorp
Classification: Uncertain significance for Microcephaly, normal intelligence and immunodeficiency. Last evaluated: 2019-02-20. Review status: criteria provided, single submitter. Criteria: Invitae Variant Classification Sherloc (09022015). Collection method: clinical testing. Allele origin: germline.
Comment: In summary, the available evidence is currently insufficient to determine the role of this variant in disease. Therefore, it has been classified as a Variant of Uncertain Significance. This sequence change replaces glutamine with leucine at codon 39 of the NBN protein (p.Gln39Leu). The glutamine residue is moderately conserved and there is a moderate physicochemical difference between glutamine and leucine. This variant is not present in population databases (ExAC no frequency). This variant has not been reported in the literature in individuals with NBN-related conditions. Algorithms developed to predict the effect of missense changes on protein structure and function (SIFT, PolyPhen-2, Align-GVGD) all suggest that this variant is likely to be tolerated, but these predictions have not been confirmed by published functional studies and their clinical significance is uncertain.

NM_002485.5(NBN):c.116A>T (p.Gln39Leu)

Gene: NBN (nibrin; minus strand). Cytogenetic location: 8q21.3.
Variant type: single nucleotide variant.
Coding change: c.116A>T on transcript NM_002485.5 (MANE Select); coding-DNA position 116, A replaced by T.
Protein change: p.Gln39Leu; replaces glutamine 39 with leucine.
Molecular consequence: missense variant. On other transcripts: 5 prime UTR variant (1).
Genome position (GRCh38, 1-based): chr8:89,982,777, T>A on the plus strand (A>T on the coding strand, the complement: NBN is on the minus strand). VCF-style: chr8-89982777-T-A. GRCh37 (hg19) VCF-style: chr8-90995005-T-A.
Other names: c.-181A>T (NM_001024688.3); short protein forms Q39L.
Identifiers: ClinVar variation 854187 (VCV000854187.12), dbSNP rs765551184, ClinGen allele CA371663142.